The following is an entry in ClinVar:

NM_002755.4(MAP2K1):c.1068+19G>A

Genes: MAP2K1 (mitogen-activated protein kinase kinase 1; plus strand), SNAPC5 (small nuclear RNA activating complex polypeptide 5; minus strand). Cytogenetic location: 15q22.31.
Variant type: single nucleotide variant.
Coding change: c.1068+19G>A on transcript NM_002755.4 (MANE Select); 19 bases into the intron after coding-DNA position 1068, G replaced by A.
Molecular consequence: intron variant. On other transcripts: 3 prime UTR variant (1), non-coding transcript variant (1).
Genome position (GRCh38, 1-based): chr15:66,489,782, G>A. VCF-style: chr15-66489782-G-A. GRCh37 (hg19) VCF-style: chr15-66782120-G-A.
Other names: c.*957C>T (NM_006049.4); c.924+19G>A (NM_001411065.1).
Identifiers: ClinVar variation 917701 (VCV000917701.10), dbSNP rs188235318, ClinGen allele CA7624105.
Genomic context (GRCh38, chr15:66,489,782, plus strand): 5'-ATAAAAAACCCCGCAGAGAGAGCAGATTTGAAGCAACTCATGGTGAGTCTATTTATTCCG[G>A]ATTCTTACAGTACCTGTTTATTCATTTGTTCTTCTCTGTCAGTCATCTGTGCAGTACTTC-3'

ClinVar aggregate classification (germline): Benign/Likely benign. Review status: criteria provided, multiple submitters, no conflicts (2 of 4 stars). 3 submissions from 3 submitters: Benign (1); Likely benign (2). Last evaluated 2026-01-06.

Conditions:
RASopathy. Also called: Noonan spectrum disorder; rasopathies. Identifiers: Orphanet 536391, MedGen C5555857, MONDO:0021060.

Allele frequency attached by ClinVar (database versions not stated): gnomAD exomes 0.00003 and 0.00007; ExAC 0.00003; ESP Exome Variant Server 0.00015; 1000 Genomes Project 30x 0.00016; gnomAD 0.00027 and 0.00029; TOPMed 0.00031; 1000 Genomes Project 0.00020.
gnomAD v4.1: 86 of 1,600,234 alleles (0.0054%); highest among the groups gnomAD compares: African/African-American, 0.084%; no homozygotes.

Submissions (3):

Labcorp Genetics (formerly Invitae), Labcorp
Classification: Likely benign for RASopathy. Last evaluated: 2026-01-06. Review status: criteria provided, single submitter. Criteria: Invitae Variant Classification Sherloc (09022015). Collection method: clinical testing. Allele origin: germline.

Blueprint Genetics
Classification: Likely benign. Last evaluated: 2022-06-22. Review status: criteria provided, single submitter. Criteria: ACMG Guidelines, 2015. Collection method: clinical testing. Allele origin: germline.

Women's Health and Genetics/Laboratory Corporation of America, LabCorp
Classification: Benign. Last evaluated: 2020-02-14. Review status: criteria provided, single submitter. Criteria: LabCorp Variant Classification Summary - May 2015. Collection method: clinical testing. Allele origin: germline.
Comment: Variant summary: MAP2K1 c.1068+19G>A alters a non-conserved nucleotide located close to a canonical splice site and therefore could affect mRNA splicing, leading to a significantly altered protein sequence. 4/4 computational tools predict no significant impact on normal splicing. However, these predictions have yet to be confirmed by functional studies. The variant allele was found at a frequency of 6.8e-05 in 251428 control chromosomes (gnomAD). The observed variant frequency is approximately 27- fold the estimated maximal expected allele frequency for a pathogenic variant in MAP2K1 causing Noonan Syndrome and Related Conditions phenotype (2.5e-06), strongly suggesting that the variant is benign. To our knowledge, no occurrence of c.1068+19G>A in individuals affected with Noonan Syndrome and Related Conditions and no experimental evidence demonstrating its impact on protein function have been reported. No clinical diagnostic laboratories have submitted clinical-significance assessments for this variant to ClinVar after 2014. Based on the evidence outlined above, the variant was classified as benign.